The following is an entry in ClinVar:

ClinVar aggregate classification (germline): Benign. Review status: criteria provided, multiple submitters, no conflicts (2 of 4 stars). 2 submissions from 2 submitters: Benign (2). Last evaluated 2018-01-12.

Conditions:
Xeroderma pigmentosum, group F (XPF). Also called: XERODERMA PIGMENTOSUM, COMPLEMENTATION GROUP F; XERODERMA PIGMENTOSUM VI; XP, GROUP F; ERCC4-Related Xeroderma Pigmentosum; XERODERMA PIGMENTOSUM, TYPE F; Xeroderma pigmentosum, type 6. Identifiers: MedGen C0268140, MONDO:0010215, OMIM 278760.

Allele frequency attached by ClinVar (database versions not stated): 1000 Genomes Project 30x 0.22845; 1000 Genomes Project 0.23762; gnomAD 0.24180; TOPMed 0.24455; gnomAD exomes 0.27827.
gnomAD v4.1: 60,155 of 232,666 alleles (26%); highest among the groups gnomAD compares: Middle Eastern, 35%; 8,163 homozygotes.

Submissions (2):

Illumina Laboratory Services, Illumina
Classification: Benign for Xeroderma pigmentosum, group F. Last evaluated: 2018-01-12. Review status: criteria provided, single submitter. Criteria: ICSL Variant Classification Criteria 13 December 2019. Collection method: clinical testing. Allele origin: germline.
Comment: This variant was observed in the ICSL laboratory as part of a predisposition screen in an ostensibly healthy population. It had not been previously curated by ICSL or reported in the Human Gene Mutation Database (HGMD: prior to June 1st, 2018), and was therefore a candidate for classification through an automated scoring system. Utilizing variant allele frequency, disease prevalence and penetrance estimates, and inheritance mode, an automated score was calculated to assess if this variant is too frequent to cause the disease. Based on the score and internal cut-off values, a variant classified as benign is not then subjected to further curation. The score for this variant resulted in a classification of benign for this disease.

Breakthrough Genomics
Classification: Benign. Review status: criteria provided, single submitter. Criteria: ACMG Guidelines, 2015. Collection method: not provided. Allele origin: germline. Inheritance: Autosomal recessive inheritance. Affected: yes.

NM_005236.3(ERCC4):c.*726G>C

Gene: ERCC4 (ERCC excision repair 4, endonuclease catalytic subunit; plus strand). Cytogenetic location: 16p13.12.
Variant type: single nucleotide variant.
Coding change: c.*726G>C on transcript NM_005236.3 (MANE Select); 726 bases downstream of the stop codon, G replaced by C.
Molecular consequence: 3 prime UTR variant.
Genome position (GRCh38, 1-based): chr16:13,949,073, G>C. VCF-style: chr16-13949073-G-C. GRCh37 (hg19) VCF-style: chr16-14042930-G-C.
Identifiers: ClinVar variation 317835 (VCV000317835.6), dbSNP rs2276464, ClinGen allele CA10646969.